The following is an entry in ClinVar:

ClinVar aggregate classification (germline): Conflicting classifications of pathogenicity. Review status: criteria provided, conflicting classifications (1 of 4 stars). 4 submissions from 3 submitters: Uncertain significance (2); Benign (1); Likely benign (1). Last evaluated 2026-08-01.

Conditions:
Autosomal recessive nonsyndromic hearing loss 4 (DFNB4). Also called: FOXI1-Related Pendred Syndrome; KCNJ10-Related Pendred Syndrome; DEAFNESS, AUTOSOMAL RECESSIVE 4, WITH ENLARGED VESTIBULAR AQUEDUCT, DIGENIC; Nonsyndromic enlarged vestibular aqueduct (NSEVA); Deafness, autosomal recessive 4, with enlarged vestibular aqueduct; Deafness, autosomal recessive 4. Identifiers: Orphanet 90636, MedGen C3538946, MONDO:0010933, OMIM 600791.
Pendred syndrome (PDS). Also called: Pendred's syndrome; Pendred Syndrome (PDS); GOITER-DEAFNESS SYNDROME; HYPOTHYROIDISM, CONGENITAL, DUE TO DYSHORMONOGENESIS, 2B; THYROID DYSHORMONOGENESIS 2B; THYROID HORMONOGENESIS, GENETIC DEFECT IN, 2B. Identifiers: Orphanet 705, MedGen C0271829, MONDO:0010134, OMIM 274600.

Allele frequency attached by ClinVar (database versions not stated): gnomAD 0.00061 and 0.00083; TOPMed 0.00106; 1000 Genomes Project 0.00319; 1000 Genomes Project 30x 0.00390.
gnomAD v4.1: 651 of 1,120,240 alleles (0.058%); highest among the groups gnomAD compares: East Asian, 1.2%; 5 homozygotes.

Submissions (4):

CeGaT Center for Human Genetics Tuebingen
Classification: Likely benign. Last evaluated: 2026-08-01. Review status: criteria provided, single submitter. Criteria: CeGaT Center For Human Genetics Tuebingen Variant Classification Criteria Version 2. Collection method: clinical testing. Allele origin: germline. Affected: yes. Observed: 1 variant allele.
Comment: SLC26A4: BS1

Labcorp Genetics (formerly Invitae), Labcorp
Classification: Benign. Last evaluated: 2023-09-21. Review status: criteria provided, single submitter. Criteria: Invitae Variant Classification Sherloc (09022015). Collection method: clinical testing. Allele origin: germline.

Illumina Laboratory Services, Illumina
Classification: Uncertain significance for Pendred syndrome. Last evaluated: 2018-01-13. Review status: criteria provided, single submitter. Criteria: ICSL Variant Classification Criteria 13 December 2019. Collection method: clinical testing. Allele origin: germline.

Illumina Laboratory Services, Illumina
Classification: Uncertain significance for Autosomal recessive nonsyndromic hearing loss 4. Last evaluated: 2018-01-13. Review status: criteria provided, single submitter. Criteria: ICSL Variant Classification Criteria 13 December 2019. Collection method: clinical testing. Allele origin: germline.

NM_000441.2(SLC26A4):c.*69C>A

Gene: SLC26A4 (solute carrier family 26 member 4; plus strand). Cytogenetic location: 7q22.3.
Variant type: single nucleotide variant.
Coding change: c.*69C>A on transcript NM_000441.2 (MANE Select); 69 bases downstream of the stop codon, C replaced by A.
Molecular consequence: 3 prime UTR variant.
Genome position (GRCh38, 1-based): chr7:107,715,515, C>A. VCF-style: chr7-107715515-C-A. GRCh37 (hg19) VCF-style: chr7-107355960-C-A.
Identifiers: ClinVar variation 358505 (VCV000358505.14), dbSNP rs76894072, ClinGen allele CA10627918.